The following is an entry in ClinVar:

ClinVar aggregate classification (germline): Pathogenic (1 of 4 stars; one submission).

Submission:

ISCA Site 6
Classification: Pathogenic. Last evaluated: 2011-08-12. Review status: criteria provided, single submitter. Criteria: Kaminsky et al. (Genet Med. 2011). Collection method: clinical testing. Allele origin: unknown. Affected: yes. Observed: 1 variant allele.
Comment: Copy number variation identified through the course of routine clinical cytogenomic testing in postnatal populations. Clinical assertions have been curated as described in Kaminsky et al. 2011.

GRCh38/hg38 7q31.1-31.33(chr7:113799835-124899218)x1

Genes: SNORA25B (small nucleolar RNA, H/ACA box 25B; minus strand), SPAM1 (sperm adhesion molecule 1; plus strand), SSU72L6 (SSU72 like 6; plus strand), ST7 (suppression of tumorigenicity 7; plus strand), ST7-AS1 (ST7 antisense RNA 1; minus strand) and 246 more. Cytogenetic location: 7q31.1-31.33.
Variant type: copy number loss.
Change: copy number 1 (one copy instead of two) of chr7:113,799,835-124,899,218 (11.10 Mb, GRCh38 coordinates, 1-based), cytogenetic band 7q31.1-31.33.
Identifiers: ClinVar variation 60286 (VCV000060286.2).